The following is an entry in ClinVar:

NM_152309.3(PIK3AP1):c.999T>G (p.Asp333Glu)

Gene: PIK3AP1 (phosphoinositide-3-kinase adaptor protein 1; minus strand). Cytogenetic location: 10q24.1.
Variant type: single nucleotide variant.
Coding change: c.999T>G on transcript NM_152309.3 (MANE Select); coding-DNA position 999, T replaced by G.
Protein change: p.Asp333Glu; replaces aspartic acid 333 with glutamic acid.
Molecular consequence: missense variant.
Genome position (GRCh38, 1-based): chr10:96,648,845, A>C on the plus strand (T>G on the coding strand, the complement: PIK3AP1 is on the minus strand). VCF-style: chr10-96648845-A-C. GRCh37 (hg19) VCF-style: chr10-98408602-A-C.
Other names: short protein forms D333E.
Identifiers: ClinVar variation 3692297 (VCV003692297.2).

ClinVar aggregate classification (germline): Uncertain significance (1 of 4 stars; one submission).

Conditions:
Infantile spasms. Also called: Infantile spasm. Identifiers: MedGen C3887898, HP:0012469.

gnomAD v4.1: 4 of 1,560,388 alleles (0.00026%); highest among the groups gnomAD compares: South Asian, 0.0012%; no homozygotes.

Submission:

Labcorp Genetics (formerly Invitae), Labcorp
Classification: Uncertain significance for Infantile spasms. Last evaluated: 2024-09-04. Review status: criteria provided, single submitter. Criteria: Invitae Variant Classification Sherloc (09022015). Collection method: clinical testing. Allele origin: germline.
Comment: This sequence change replaces aspartic acid, which is acidic and polar, with glutamic acid, which is acidic and polar, at codon 333 of the PIK3AP1 protein (p.Asp333Glu). This variant is present in population databases (rs766619051, gnomAD 0.004%). This variant has not been reported in the literature in individuals affected with PIK3AP1-related conditions. An algorithm developed to predict the effect of missense changes on protein structure and function outputs the following: PolyPhen-2: "Benign". The glutamic acid amino acid residue is found in multiple mammalian species, which suggests that this missense change does not adversely affect protein function. In summary, the available evidence is currently insufficient to determine the role of this variant in disease. Therefore, it has been classified as a Variant of Uncertain Significance.